The following is an entry in ClinVar:

ClinVar aggregate classification (germline): Conflicting classifications of pathogenicity. Review status: criteria provided, conflicting classifications (1 of 4 stars). 3 submissions from 3 submitters: Uncertain significance (1); Likely benign (1). 1 of the submissions does not count toward it. Last evaluated 2026-01-09.

Conditions:
Alstrom syndrome (ALMS). Identifiers: Orphanet 64, MedGen C0268425, MONDO:0008763, OMIM 203800.

Allele frequency attached by ClinVar (database versions not stated): gnomAD exomes below 0.00001 and 0.00001; gnomAD 0.00001; TOPMed 0.00001.
gnomAD v4.1: 46 of 1,612,560 alleles (0.0029%); highest among the groups gnomAD compares: African/African-American, 0.025%; 2 homozygotes.

Submissions (3):

Labcorp Genetics (formerly Invitae), Labcorp
Classification: Likely benign for Alstrom syndrome. Last evaluated: 2026-01-09. Review status: criteria provided, single submitter. Criteria: Invitae Variant Classification Sherloc (09022015). Collection method: clinical testing. Allele origin: germline.

GeneDx
Classification: Uncertain significance. Last evaluated: 2023-07-13. Review status: criteria provided, single submitter. Criteria: GeneDx Variant Classification Process June 2021. Collection method: clinical testing. Allele origin: germline. Affected: yes.
Comment: Not observed at significant frequency in large population cohorts (gnomAD); In silico analysis supports that this variant does not alter splicing; Has not been previously published as pathogenic or benign to our knowledge

Counsyl
Classification: Uncertain significance for Alstrom syndrome. Last evaluated: 2018-03-29. Review status: no assertion criteria provided. Collection method: clinical testing. Allele origin: unknown. Not counted in ClinVar's aggregate classification.

NM_001378454.1(ALMS1):c.9782-13T>G

Gene: ALMS1 (ALMS1 centrosome and basal body associated protein; plus strand). Cytogenetic location: 2p13.1.
Variant type: single nucleotide variant.
Coding change: c.9782-13T>G on transcript NM_001378454.1 (MANE Select); 13 bases into the intron before coding-DNA position 9782, T replaced by G.
Molecular consequence: intron variant.
Genome position (GRCh38, 1-based): chr2:73,534,811, T>G. VCF-style: chr2-73534811-T-G. GRCh37 (hg19) VCF-style: chr2-73761938-T-G.
Other names: c.9782-13T>G (NM_015120.4); c.9785-13T>G (NM_015120.4).
Identifiers: ClinVar variation 557561 (VCV000557561.11), dbSNP rs530508947, ClinGen allele CA50350432.